The following is an entry in ClinVar:

NM_173551.5(ANKS6):c.937G>A (p.Asp313Asn)

Gene: ANKS6 (ankyrin repeat and sterile alpha motif domain containing 6; minus strand). Cytogenetic location: 9q22.33.
Variant type: single nucleotide variant.
Coding change: c.937G>A on transcript NM_173551.5 (MANE Select); coding-DNA position 937, G replaced by A.
Protein change: p.Asp313Asn; replaces aspartic acid 313 with asparagine.
Molecular consequence: missense variant.
Genome position (GRCh38, 1-based): chr9:98,784,128, C>T on the plus strand (G>A on the coding strand, the complement: ANKS6 is on the minus strand). VCF-style: chr9-98784128-C-T. GRCh37 (hg19) VCF-style: chr9-101546410-C-T.
Other names: short protein forms D313N.
Identifiers: ClinVar variation 262859 (VCV000262859.12), dbSNP rs79073889, ClinGen allele CA5153674.
Genomic context (GRCh38, chr9:98,784,128, plus strand): 5'-CTAGCATCAGTGGCGTCGCCCCGTCCCCATTGACCAAGTTCACGTGGCTGGGGTCTTCAT[C>T]GGCAATCTCTTTGACCAGCTGGAAGTTTCCTGCAAACACAAGCAGGAGTCCGGGTGAACT-3'
Protein context (NP_775822.3, residues 303-323): GNFQLVKEIA[Asp313Asn]EDPSHVNLVN

ClinVar aggregate classification (germline): Benign. Review status: criteria provided, multiple submitters, no conflicts (2 of 4 stars). 3 submissions from 3 submitters: Benign (3). Last evaluated 2026-01-26.

Conditions:
Nephronophthisis 16 (NPHP16). Identifiers: Orphanet 655, MedGen C3809320, MONDO:0014158, OMIM 615382.

Allele frequency attached by ClinVar (database versions not stated): TOPMed 0.00125; gnomAD 0.00060 and 0.00093; 1000 Genomes Project 30x 0.00390; ESP Exome Variant Server 0.00008; ExAC 0.00211; 1000 Genomes Project 0.00439.

Submissions (3):

Labcorp Genetics (formerly Invitae), Labcorp
Classification: Benign for Nephronophthisis 16. Last evaluated: 2026-01-26. Review status: criteria provided, single submitter. Criteria: Invitae Variant Classification Sherloc (09022015). Collection method: clinical testing. Allele origin: germline.

GeneDx
Classification: Benign. Last evaluated: 2020-06-10. Review status: criteria provided, single submitter. Criteria: GeneDx Variant Classification Process June 2021. Collection method: clinical testing. Allele origin: germline. Affected: yes.
Comment: This variant is associated with the following publications: (PMID: 24610927)

PreventionGenetics, part of Exact Sciences
Classification: Benign. Review status: criteria provided, single submitter. Criteria: ACMG Guidelines, 2015. Collection method: clinical testing. Allele origin: germline.